The following is an entry in ClinVar:

NM_005159.5(ACTC1):c.119_129+14del

Genes: ACTC1 (actin alpha cardiac muscle 1; minus strand), GJD2-DT (GJD2 divergent transcript; plus strand). Cytogenetic location: 15q14.
Variant type: Deletion.
Coding change: c.119_129+14del on transcript NM_005159.5 (MANE Select); coding-DNA position 119 through 14 bases into the intron after coding-DNA position 129, 25 bases deleted (CGCGGCACCAGGTAAACTTCCCGCC).
Molecular consequence: splice donor variant.
Genome position (GRCh38, 1-based): chr15:34,794,666-34,794,690, GGCGGGAAGTTTACCTGGTGCCGCG deleted on the plus strand (CGCGGCACCAGGTAAACTTCCCGCC on the coding strand, the reverse complement: ACTC1 is on the minus strand); deleting any 25 consecutive bases within chr15:34,794,666-34,794,695 gives the same sequence; the c. name uses the placement nearest the transcript's 3' end. VCF-style (leftmost placement, unchanged base first): chr15-34794665-CGGCGGGAAGTTTACCTGGTGCCGCG-C. GRCh37 (hg19) VCF-style: chr15-35086866-CGGCGGGAAGTTTACCTGGTGCCGCG-C.
Other names: c.119_129+14del (NM_001406483.1, NM_001406482.1).
Identifiers: ClinVar variation 3761241 (VCV003761241.2).

ClinVar aggregate classification (germline): Uncertain significance (1 of 4 stars; one submission).

Conditions:
Atrial septal defect 5 (ASD5). Identifiers: Orphanet 1478, MedGen C2748552, MONDO:0013011, OMIM 612794.
Hypertrophic cardiomyopathy 11. Also called: ACTC1-Related Familial Hypertrophic Cardiomyopathy. Identifiers: MedGen C2677506, MONDO:0012799, OMIM 612098.
Dilated cardiomyopathy 1R (CMD1R). Identifiers: Orphanet 154, Orphanet 54260, MedGen C3150681, MONDO:0013261, OMIM 613424.

Submission:

Labcorp Genetics (formerly Invitae), Labcorp
Classification: Uncertain significance for Dilated cardiomyopathy 1R; Hypertrophic cardiomyopathy 11; Atrial septal defect 5. Last evaluated: 2025-08-11. Review status: criteria provided, single submitter. Criteria: Invitae Variant Classification Sherloc (09022015). Collection method: clinical testing. Allele origin: germline.
Comment: This variant results in the deletion of part of exon 2 (c.119_129+14del) of the ACTC1 gene. It is expected to disrupt RNA splicing. Variants that disrupt the donor or acceptor splice site typically lead to a loss of protein function (PMID: 16199547), however the current clinical and genetic evidence is not sufficient to establish whether loss-of-function variants in ACTC1 cause disease. This variant is present in population databases (rs761771468, gnomAD 0.009%). This variant has not been reported in the literature in individuals affected with ACTC1-related conditions. ClinVar contains an entry for this variant (Variation ID: 3761241). In summary, the available evidence is currently insufficient to determine the role of this variant in disease. Therefore, it has been classified as a Variant of Uncertain Significance.

Literature cited by the submitters: PubMed 16199547.